The following is an entry in ClinVar:

NM_002471.4(MYH6):c.4470C>T (p.Tyr1490=)

Gene: MYH6 (myosin heavy chain 6; minus strand). Cytogenetic location: 14q11.2.
Variant type: single nucleotide variant.
Coding change: c.4470C>T on transcript NM_002471.4 (MANE Select); coding-DNA position 4470, C replaced by T.
Protein change: p.Tyr1490=; no amino-acid change (tyrosine 1490 retained).
Molecular consequence: synonymous variant.
Genome position (GRCh38, 1-based): chr14:23,387,813, G>A on the plus strand (C>T on the coding strand, the complement: MYH6 is on the minus strand). VCF-style: chr14-23387813-G-A. GRCh37 (hg19) VCF-style: chr14-23857022-G-A.
Identifiers: ClinVar variation 179581 (VCV000179581.14), dbSNP rs727504964, ClinGen allele CA184709.

ClinVar aggregate classification (germline): Likely benign. Review status: criteria provided, multiple submitters, no conflicts (2 of 4 stars). 6 submissions from 6 submitters: Likely benign (5). 1 of the submissions does not count toward it. Last evaluated 2026-01-26.

Conditions:
Cardiovascular phenotype. Identifiers: MedGen CN230736.
Hypertrophic cardiomyopathy 14. Identifiers: MedGen C2750467, MONDO:0013197, OMIM 613251.
MYH6-related disorder. Also called: MYH6-related condition; MYH6-Related Disorders.

Allele frequency attached by ClinVar (database versions not stated): gnomAD 0.00002; gnomAD exomes 0.00002 and 0.00006; ExAC 0.00005; TOPMed 0.00007.
gnomAD v4.1: 38 of 1,613,956 alleles (0.0024%); highest among the groups gnomAD compares: Admixed American, 0.023%; no homozygotes.

Submissions (6):

Labcorp Genetics (formerly Invitae), Labcorp
Classification: Likely benign for Hypertrophic cardiomyopathy 14. Last evaluated: 2026-01-26. Review status: criteria provided, single submitter. Criteria: Invitae Variant Classification Sherloc (09022015). Collection method: clinical testing. Allele origin: germline.

Ambry Genetics
Classification: Likely benign for Cardiovascular phenotype. Last evaluated: 2022-10-14. Review status: criteria provided, single submitter. Criteria: Ambry Variant Classification Scheme 2023. Collection method: clinical testing. Allele origin: germline.

Blueprint Genetics
Classification: Likely benign. Last evaluated: 2020-03-09. Review status: criteria provided, single submitter. Criteria: ACMG Guidelines, 2015. Collection method: clinical testing. Allele origin: germline.

Laboratory for Molecular Medicine, Mass General Brigham Personalized Medicine
Classification: Likely benign. Last evaluated: 2014-03-21. Review status: criteria provided, single submitter. Criteria: LMM Criteria. Collection method: clinical testing. Allele origin: germline. Observed: 1 variant allele.
Comment: Tyr1490Tyr in exon 31 of MYH6: This variant has not been reported in individuals with cardiomyopathy or in large population studies. It is not expected to have clinical significance because it does not alter an amino acid residue and is no t located within the splice consensus sequence. Tyr1490Tyr in exon 31 of MYH6 ( allele frequency = n/a)

Breakthrough Genomics
Classification: Likely benign. Review status: criteria provided, single submitter. Criteria: ACMG Guidelines, 2015. Collection method: not provided. Allele origin: germline. Inheritance: Autosomal dominant inheritance. Affected: yes.

PreventionGenetics, part of Exact Sciences
Classification: Likely benign for MYH6-related condition. Last evaluated: 2020-09-03. Review status: no assertion criteria provided. Collection method: clinical testing. Allele origin: germline. Not counted in ClinVar's aggregate classification.
Comment: This variant is classified as likely benign based on ACMG/AMP sequence variant interpretation guidelines (Richards et al. 2015 PMID: 25741868, with internal and published modifications).